The following is an entry in ClinVar:

NM_004928.3(CFAP410):c.-27_-7del

Genes: CFAP410 (cilia and flagella associated protein 410; minus strand), LOC130066823 (ATAC-STARR-seq lymphoblastoid silent region 13383; plus strand). Cytogenetic location: 21q22.3.
Variant type: Deletion.
Coding change: c.-27_-7del on transcript NM_004928.3 (MANE Select); 27 bases upstream of the start codon through 7 bases upstream of the start codon, 21 bases deleted (CCCGCCGGTCGGGCCTGGGCG).
Molecular consequence: 5 prime UTR variant.
Genome position (GRCh38, 1-based): chr21:44,339,201-44,339,221, CGCCCAGGCCCGACCGGCGGG deleted on the plus strand (CCCGCCGGTCGGGCCTGGGCG on the coding strand, the reverse complement: CFAP410 is on the minus strand); deleting any 21 consecutive bases within chr21:44,339,201-44,339,226 gives the same sequence; the c. name uses the placement nearest the transcript's 3' end. VCF-style (leftmost placement, unchanged base first): chr21-44339200-CCGCCCAGGCCCGACCGGCGGG-C. GRCh37 (hg19) VCF-style: chr21-45759083-CCGCCCAGGCCCGACCGGCGGG-C.
Other names: c.-27_-7del (NM_001271440.2, NM_001271441.2).
Identifiers: ClinVar variation 4980603 (VCV004980603.1).
Genomic context (GRCh38, chr21:44,339,200, plus strand): 5'-TGTGCAGCTCCGAGGCCTTGGCCCGGGTCAGAACCATCTTCCGCGTCAGCTTCATGGCGG[CCGCCCAGGCCCGACCGGCGGG>C]CGCCCCCGGCCTCCTGATCCCGGGCGGGTGACGACTGCGCGGCGCGTGTCTCCAGGGGCG-3'

ClinVar aggregate classification (germline): Likely benign (1 of 4 stars; one submission).

Conditions:
CFAP410-related disorder. Also called: CFAP410-related condition.

Submission:

PreventionGenetics, part of Exact Sciences
Classification: Likely benign for CFAP410-related condition. Last evaluated: 2026-02-11. Review status: criteria provided, single submitter. Criteria: ACMG Guidelines, 2015. Collection method: clinical testing. Allele origin: germline.
Comment: This variant is classified as likely benign based on ACMG/AMP sequence variant interpretation guidelines (Richards et al. 2015 PMID: 25741868, with internal and published modifications).